The following is an entry in ClinVar:

NM_000112.4(SLC26A2):c.578_581del (p.Pro192_Ser193insTer)

Gene: SLC26A2 (solute carrier family 26 member 2; plus strand). Cytogenetic location: 5q32.
Variant type: Microsatellite.
Coding change: c.578_581del on transcript NM_000112.4 (MANE Select); coding-DNA positions 578 to 581, 4 bases deleted (CCTT; older notation c.578_581delCCTT).
Protein change: p.Pro192_Ser193insTer.
Molecular consequence: nonsense.
Genome position (GRCh38, 1-based): chr5:149,978,230-149,978,233, CCTT deleted; deleting any 4 consecutive bases within chr5:149,978,225-149,978,233 gives the same sequence; the c. name uses the placement nearest the transcript's 3' end. VCF-style (leftmost placement, unchanged base first): chr5-149978224-CTCCT-C. GRCh37 (hg19) VCF-style: chr5-149357787-CTCCT-C.
Other names: c.578_581delCCTT (NM_000112.3).
Identifiers: ClinVar variation 553407 (VCV000553407.9), dbSNP rs1554095154, ClinGen allele CA658822214.

ClinVar aggregate classification (germline): Pathogenic/Likely pathogenic. Review status: criteria provided, multiple submitters, no conflicts (2 of 4 stars). 3 submissions from 3 submitters: Pathogenic (1); Likely pathogenic (1). 1 of the submissions does not count toward it. Last evaluated 2022-12-18.

Conditions:
Achondrogenesis, type IB (ACG1B). Also called: Achondrogenesis Type 1B. Identifiers: Orphanet 932, Orphanet 93298, MedGen C0265274, MONDO:0010966, OMIM 600972.
Multiple epiphyseal dysplasia type 4 (EDM4). Also called: MULTIPLE EPIPHYSEAL DYSPLASIA WITH BILAYERED PATELLAE; MULTIPLE EPIPHYSEAL DYSPLASIA WITH CLUBFOOT; MULTIPLE EPIPHYSEAL DYSPLASIA, AUTOSOMAL RECESSIVE; SLC26A2-Related Multiple Epiphyseal Dysplasia; Multiple Epiphyseal Dysplasia, Recessive. Identifiers: Orphanet 93307, MedGen C1847593, MONDO:0009189, OMIM 226900.
Atelosteogenesis type II (AO2). Also called: SLC26A2-Related Atelosteogenesis; NEONATAL OSSEOUS DYSPLASIA I; Neonatal osseous dysplasia 1. Identifiers: Orphanet 56304, MedGen C1850554, MONDO:0009727, OMIM 256050.
Diastrophic dysplasia (DTD). Also called: Diastrophic dwarfism. Identifiers: Orphanet 628, MedGen C0220726, MONDO:0009107, OMIM 222600.

Submissions (3):

Baylor Genetics
Classification: Likely pathogenic for Achondrogenesis, type IB. Last evaluated: 2022-12-18. Review status: criteria provided, single submitter. Criteria: ACMG Guidelines, 2015. Collection method: clinical testing. Allele origin: unknown.

Labcorp Genetics (formerly Invitae), Labcorp
Classification: Pathogenic for Atelosteogenesis type II; Multiple epiphyseal dysplasia type 4; Achondrogenesis, type IB; Diastrophic dysplasia. Last evaluated: 2021-10-02. Review status: criteria provided, single submitter. Criteria: Invitae Variant Classification Sherloc (09022015). Collection method: clinical testing. Allele origin: germline.
Comment: For these reasons, this variant has been classified as Pathogenic. ClinVar contains an entry for this variant (Variation ID: 553407). This variant has not been reported in the literature in individuals affected with SLC26A2-related conditions. This variant is not present in population databases (ExAC no frequency). This sequence change creates a premature translational stop signal (p.Ser193*) in the SLC26A2 gene. It is expected to result in an absent or disrupted protein product. Loss-of-function variants in SLC26A2 are known to be pathogenic (PMID: 7923357, 10482955, 11241838).

Counsyl
Classification: Likely pathogenic for Multiple epiphyseal dysplasia type 4. Last evaluated: 2017-08-24. Review status: no assertion criteria provided. Collection method: clinical testing. Allele origin: unknown. Not counted in ClinVar's aggregate classification.

Literature cited by the submitters: PubMed 7923357 (cited by Labcorp Genetics (formerly Invitae), Labcorp); PubMed 10482955 (cited by Labcorp Genetics (formerly Invitae), Labcorp); PubMed 11241838 (cited by Labcorp Genetics (formerly Invitae), Labcorp).